The following is an entry in ClinVar:

ClinVar aggregate classification (germline): Likely benign (0 of 4 stars; one submission).

Conditions:
MYO7B-related disorder. Also called: MYO7B-related condition.

Allele frequency attached by ClinVar (database versions not stated): gnomAD exomes below 0.00001; TOPMed 0.00001; ExAC 0.00002; gnomAD 0.00003.
gnomAD v4.1: 16 of 1,613,568 alleles (0.00099%); highest among the groups gnomAD compares: African/African-American, 0.004%; no homozygotes.

Submission:

PreventionGenetics, part of Exact Sciences
Classification: Likely benign for MYO7B-related condition. Last evaluated: 2019-11-27. Review status: no assertion criteria provided. Collection method: clinical testing. Allele origin: germline.
Comment: This variant is classified as likely benign based on ACMG/AMP sequence variant interpretation guidelines (Richards et al. 2015 PMID: 25741868, with internal and published modifications).

NM_001393586.1(MYO7B):c.2295A>G (p.Arg765=)

Gene: MYO7B (myosin VIIB; plus strand). Cytogenetic location: 2q14.3.
Variant type: single nucleotide variant.
Coding change: c.2295A>G on transcript NM_001393586.1 (MANE Select); coding-DNA position 2295, A replaced by G.
Protein change: p.Arg765=; no amino-acid change (arginine 765 retained).
Molecular consequence: synonymous variant.
Genome position (GRCh38, 1-based): chr2:127,596,512, A>G. VCF-style: chr2-127596512-A-G. GRCh37 (hg19) VCF-style: chr2-128354087-A-G.
Other names: c.2295A>G, p.Arg765= (NM_001080527.2).
Identifiers: ClinVar variation 3048626 (VCV003048626.2), dbSNP rs781408782, ClinGen allele CA1861073.